The following is an entry in ClinVar:

ClinVar aggregate classification (germline): Uncertain significance (1 of 4 stars; one submission).

Conditions:
Wilms tumor 1 (WT1). Also called: Wilms tumor, somatic. Identifiers: Orphanet 654, MedGen CN033288, MONDO:0008679, OMIM 194070.
11p partial monosomy syndrome (WAGR). Also called: WAGR syndrome; WAGR Complex; CHROMOSOME 11p13 DELETION SYNDROME; WAGR Spectrum Disorder. Identifiers: Orphanet 893, MedGen C0206115, MONDO:0008681, OMIM 194072.
Frasier syndrome. Identifiers: Orphanet 347, MedGen C0950122, MeSH D052159, MONDO:0007635, OMIM 136680.
Drash syndrome (DDS). Also called: WILMS TUMOR AND PSEUDO- OR TRUE HERMAPHRODITISM; NEPHROPATHY, WILMS TUMOR, AND GENITAL ANOMALIES. Identifiers: Orphanet 220, MedGen C0950121, MONDO:0008682, OMIM 194080.

Submission:

Labcorp Genetics (formerly Invitae), Labcorp
Classification: Uncertain significance for Wilms tumor 1; Drash syndrome; 11p partial monosomy syndrome; Frasier syndrome. Last evaluated: 2021-11-24. Review status: criteria provided, single submitter. Criteria: Invitae Variant Classification Sherloc (09022015). Collection method: clinical testing. Allele origin: germline.
Comment: This sequence change replaces proline, which is neutral and non-polar, with serine, which is neutral and polar, at codon 129 of the WT1 protein (p.Pro129Ser). This variant is not present in population databases (gnomAD no frequency). This variant has not been reported in the literature in individuals affected with WT1-related conditions. Algorithms developed to predict the effect of missense changes on protein structure and function (SIFT, PolyPhen-2, Align-GVGD) all suggest that this variant is likely to be tolerated. In summary, the available evidence is currently insufficient to determine the role of this variant in disease. Therefore, it has been classified as a Variant of Uncertain Significance.

NM_024426.6(WT1):c.400C>T (p.Pro134Ser)

Genes: WT1 (WT1 transcription factor; minus strand), LOC107982234 (WT1/WT1-AS bi-directional promoter region; plus strand). Cytogenetic location: 11p13.
Variant type: single nucleotide variant.
Coding change: c.400C>T on transcript NM_024426.6 (MANE Select); coding-DNA position 400, C replaced by T.
Protein change: p.Pro134Ser; replaces proline 134 with serine.
Molecular consequence: missense variant. On other transcripts: non-coding transcript variant (1).
Genome position (GRCh38, 1-based): chr11:32,434,961, G>A on the plus strand (C>T on the coding strand, the complement: WT1 is on the minus strand). VCF-style: chr11-32434961-G-A. GRCh37 (hg19) VCF-style: chr11-32456507-G-A.
Other names: c.400C>T, p.Pro134Ser (NM_000378.6, NM_024424.5); short protein forms P134S.
Identifiers: ClinVar variation 1490734 (VCV001490734.6), dbSNP rs2133103862, ClinGen allele CA379965777.